The following is an entry in ClinVar:

NM_001369.3(DNAH5):c.5883-2A>G

Gene: DNAH5 (dynein axonemal heavy chain 5; minus strand). Cytogenetic location: 5p15.2.
Variant type: single nucleotide variant.
Coding change: c.5883-2A>G on transcript NM_001369.3 (MANE Select); the canonical splice acceptor site of the intron before coding-DNA position 5883, A replaced by G.
Molecular consequence: splice acceptor variant.
Genome position (GRCh38, 1-based): chr5:13,830,777, T>C on the plus strand (A>G on the coding strand, the complement: DNAH5 is on the minus strand). VCF-style: chr5-13830777-T-C. GRCh37 (hg19) VCF-style: chr5-13830886-T-C.
Identifiers: ClinVar variation 662265 (VCV000662265.8), dbSNP rs1580465796, ClinGen allele CA359203229.
Genomic context (GRCh38, chr5:13,830,777, plus strand): 5'-GTCCAGCAGGGGCTCCCCCCATGCTCATTCCCAGAGCTTGAGCCAGCGTGATGTAACATC[T>C]GCATGGGTAGAAACATCACTAGAACCAGCCCTCAGTCACCTGGAAATACTTCTGAGACAT-3'

ClinVar aggregate classification (germline): Pathogenic/Likely pathogenic. Review status: criteria provided, multiple submitters, no conflicts (2 of 4 stars). 2 submissions from 2 submitters: Pathogenic (1); Likely pathogenic (1). Last evaluated 2025-04-04.

Conditions:
Primary ciliary dyskinesia. Also called: Ciliary dyskinesia. Identifiers: Orphanet 244, MedGen C0008780, MONDO:0016575, HP:0012265.
Primary ciliary dyskinesia 3. Identifiers: Orphanet 244, MedGen C1837618, MONDO:0012085, OMIM 608644.

Allele frequency attached by ClinVar (database versions not stated): gnomAD exomes 0.00001.
gnomAD v4.1: 14 of 1,614,064 alleles (0.00087%); highest among the groups gnomAD compares: Non-Finnish European, 0.0012%; no homozygotes.

Submissions (2):

Myriad Genetics, Inc.
Classification: Likely pathogenic for Primary ciliary dyskinesia 3. Last evaluated: 2025-04-04. Review status: criteria provided, single submitter. Criteria: Myriad Autosomal Dominant, Autosomal Recessive and X-Linked Classification Criteria (2023). Collection method: clinical testing. Allele origin: unknown.
Comment: NM_001369.2(DNAH5):c.5883-2A>G is a variant in a canonical splice site classified as likely pathogenic in the context of primary ciliary dyskinesia, DNAH5-related. c.5883-2A>G has not been observed in cases with relevant disease. Relevant functional assessments of this variant are not available in the literature. c.5883-2A>G has not been observed in referenced population frequency databases. In summary, NM_001369.2(DNAH5):c.5883-2A>G is a variant in a canonical splice site in a gene where loss of function is a known mechanism of disease and is predicted to disrupt protein function. Please note: this variant was assessed in the context of healthy population screening.

Labcorp Genetics (formerly Invitae), Labcorp
Classification: Pathogenic for Primary ciliary dyskinesia. Last evaluated: 2022-10-28. Review status: criteria provided, single submitter. Criteria: Invitae Variant Classification Sherloc (09022015). Collection method: clinical testing. Allele origin: germline.
Comment: For these reasons, this variant has been classified as Pathogenic. Algorithms developed to predict the effect of sequence changes on RNA splicing suggest that this variant may disrupt the consensus splice site. ClinVar contains an entry for this variant (Variation ID: 662265). Disruption of this splice site has been observed in individual(s) with clinical features of primary ciliary dyskinesia (Invitae). This variant is not present in population databases (gnomAD no frequency). This sequence change affects an acceptor splice site in intron 35 of the DNAH5 gene. It is expected to disrupt RNA splicing. Variants that disrupt the donor or acceptor splice site typically lead to a loss of protein function (PMID: 16199547), and loss-of-function variants in DNAH5 are known to be pathogenic (PMID: 11788826, 16627867).

Literature cited by the submitters: PubMed 16199547 (cited by Labcorp Genetics (formerly Invitae), Labcorp); PubMed 11788826 (cited by Labcorp Genetics (formerly Invitae), Labcorp); PubMed 16627867 (cited by Labcorp Genetics (formerly Invitae), Labcorp).